The following is an entry in ClinVar:

NM_007272.3(CTRC):c.493+2T>C

Gene: CTRC (chymotrypsin C; plus strand). Cytogenetic location: 1p36.21.
Variant type: single nucleotide variant.
Coding change: c.493+2T>C on transcript NM_007272.3 (MANE Select); the canonical splice donor site of the intron after coding-DNA position 493, T replaced by C.
Molecular consequence: splice donor variant.
Genome position (GRCh38, 1-based): chr1:15,443,557, T>C. VCF-style: chr1-15443557-T-C. GRCh37 (hg19) VCF-style: chr1-15770052-T-C.
Identifiers: ClinVar variation 1744204 (VCV001744204.2), dbSNP rs762680541, ClinGen allele CA613345.

ClinVar aggregate classification (germline): Uncertain significance (1 of 4 stars; one submission).

Conditions:
Hereditary pancreatitis (PCTT). Also called: Hereditary chronic pancreatitis; PRSS1-Related Hereditary Pancreatitis. Identifiers: Orphanet 676, MedGen C0238339, MONDO:0008185, OMIM 167800.

Allele frequency attached by ClinVar (database versions not stated): ExAC 0.00001.

Submission:

Ambry Genetics
Classification: Uncertain significance for Hereditary pancreatitis. Last evaluated: 2023-10-04. Review status: criteria provided, single submitter. Criteria: Ambry Variant Classification Scheme 2023. Collection method: clinical testing. Allele origin: germline.
Comment: The c.493+2T>C intronic variant results from a T to C substitution two nucleotide after coding exon 5 of the CTRC gene. In silico splice site analysis predicts that this alteration will weaken the native splice donor site. Alterations that disrupt the canonical splice site are expected to cause aberrant splicing, resulting in an abnormal protein or a transcript that is subject to nonsense-mediated mRNA decay; however, +2T>C alterations are capable of generating wild-type transcripts in some genomic contexts and should be interpreted with caution (Lin JH et al. Hum Mutat. 2019 10;40:1856-1873). Since supporting evidence is limited at this time, the clinical significance of this alteration remains unclear.